The following is an entry in ClinVar:

ClinVar aggregate classification (germline): Uncertain significance (1 of 4 stars; one submission).

Conditions:
Autoimmune lymphoproliferative syndrome, type III caused by mutation in PRKCD. Identifiers: Orphanet 3261, Orphanet 664711, MedGen C3809928, MONDO:8000024, OMIM 615559.

Submission:

Labcorp Genetics (formerly Invitae), Labcorp
Classification: Uncertain significance for Autoimmune lymphoproliferative syndrome, type III caused by mutation in PRKCD. Last evaluated: 2021-11-27. Review status: criteria provided, single submitter. Criteria: Invitae Variant Classification Sherloc (09022015). Collection method: clinical testing. Allele origin: germline.
Comment: This sequence change replaces glycine, which is neutral and non-polar, with aspartic acid, which is acidic and polar, at codon 15 of the PRKCD protein (p.Gly15Asp). This variant has not been reported in the literature in individuals affected with PRKCD-related conditions. This variant is not present in population databases (gnomAD no frequency). Algorithms developed to predict the effect of missense changes on protein structure and function are either unavailable or do not agree on the potential impact of this missense change (SIFT: "Deleterious"; PolyPhen-2: "Probably Damaging"; Align-GVGD: "Class C0"). In summary, the available evidence is currently insufficient to determine the role of this variant in disease. Therefore, it has been classified as a Variant of Uncertain Significance.

NM_006254.4(PRKCD):c.44G>A (p.Gly15Asp)

Gene: PRKCD (protein kinase C delta; plus strand). Cytogenetic location: 3p21.1.
Variant type: single nucleotide variant.
Coding change: c.44G>A on transcript NM_006254.4 (MANE Select); coding-DNA position 44, G replaced by A.
Protein change: p.Gly15Asp; replaces glycine 15 with aspartic acid.
Molecular consequence: missense variant.
Genome position (GRCh38, 1-based): chr3:53,178,466, G>A. VCF-style: chr3-53178466-G-A. GRCh37 (hg19) VCF-style: chr3-53212482-G-A.
Other names: c.44G>A, p.Gly15Asp (NM_001316327.2, NM_001354679.2, NM_001354680.2 and 1 more transcripts); c.101G>A, p.Gly34Asp (NM_001354676.2); c.92G>A, p.Gly31Asp (NM_001354678.2); short protein forms G15D, G31D, G34D.
Identifiers: ClinVar variation 1395255 (VCV001395255.6), dbSNP rs369358922, ClinGen allele CA353232285.